The following is an entry in ClinVar:

NM_152703.5(SAMD9L):c.3482G>A (p.Arg1161Lys)

Gene: SAMD9L (sterile alpha motif domain containing 9 like; minus strand). Cytogenetic location: 7q21.2.
Variant type: single nucleotide variant.
Coding change: c.3482G>A on transcript NM_152703.5 (MANE Select); coding-DNA position 3482, G replaced by A.
Protein change: p.Arg1161Lys; replaces arginine 1161 with lysine.
Molecular consequence: missense variant.
Genome position (GRCh38, 1-based): chr7:93,132,490, C>T on the plus strand (G>A on the coding strand, the complement: SAMD9L is on the minus strand). VCF-style: chr7-93132490-C-T. GRCh37 (hg19) VCF-style: chr7-92761803-C-T.
Other names: c.3482G>A, p.Arg1161Lys (NM_001303496.3, NM_001303497.3, NM_001303498.3 and 5 more transcripts); short protein forms R1161K.
Identifiers: ClinVar variation 5028870 (VCV005028870.1).

ClinVar aggregate classification (germline): Uncertain significance (1 of 4 stars; one submission).

Conditions:
Inborn genetic diseases. Identifiers: MedGen C0950123, MeSH D030342.

Submission:

Ambry Genetics
Classification: Uncertain significance for Inborn genetic diseases. Last evaluated: 2026-07-04. Review status: criteria provided, single submitter. Criteria: Ambry Variant Classification Scheme 2023. Collection method: clinical testing. Allele origin: germline.
Comment: The p.R1161K variant (also known as c.3482G>A), located in coding exon 1 of the SAMD9L gene, results from a G to A substitution at nucleotide position 3482. The arginine at codon 1161 is replaced by lysine, an amino acid with highly similar properties. This amino acid position is conserved. In addition, this alteration is predicted to be tolerated by in silico analysis. Based on the available evidence, the clinical significance of this variant remains unclear.